The following is an entry in ClinVar:

ClinVar aggregate classification (germline): Uncertain significance (1 of 4 stars; one submission).

Submission:

Labcorp Genetics (formerly Invitae), Labcorp
Classification: Uncertain significance. Last evaluated: 2023-02-10. Review status: criteria provided, single submitter. Criteria: Invitae Variant Classification Sherloc (09022015). Collection method: clinical testing. Allele origin: germline.
Comment: In summary, the available evidence is currently insufficient to determine the role of this variant in disease. Therefore, it has been classified as a Variant of Uncertain Significance. Algorithms developed to predict the effect of missense changes on protein structure and function (SIFT, PolyPhen-2, Align-GVGD) all suggest that this variant is likely to be disruptive. This variant has not been reported in the literature in individuals affected with PLTP-related conditions. This variant is not present in population databases (gnomAD no frequency). This sequence change replaces leucine, which is neutral and non-polar, with glutamine, which is neutral and polar, at codon 405 of the PLTP protein (p.Leu405Gln).

NM_006227.4(PLTP):c.1214T>A (p.Leu405Gln)

Gene: PLTP (phospholipid transfer protein; minus strand). Cytogenetic location: 20q13.12.
Variant type: single nucleotide variant.
Coding change: c.1214T>A on transcript NM_006227.4 (MANE Select); coding-DNA position 1214, T replaced by A.
Protein change: p.Leu405Gln; replaces leucine 405 with glutamine.
Molecular consequence: missense variant.
Genome position (GRCh38, 1-based): chr20:45,899,840, A>T on the plus strand (T>A on the coding strand, the complement: PLTP is on the minus strand). VCF-style: chr20-45899840-A-T. GRCh37 (hg19) VCF-style: chr20-44528479-A-T.
Other names: c.929T>A, p.Leu310Gln (NM_001242920.2); c.950T>A, p.Leu317Gln (NM_001242921.1); c.1058T>A, p.Leu353Gln (NM_182676.3); short protein forms L310Q, L317Q, L405Q, L353Q.
Identifiers: ClinVar variation 2836063 (VCV002836063.3), dbSNP rs1472662668, ClinGen allele CA409255348.
Genomic context (GRCh38, chr20:45,899,840, plus strand): 5'-GGTGAGGGTCAGGATCTCACGAACCCAGCCCAGCCCACCCACCCTTCCCCACTCACAGCC[A>T]GCGACTCCAGTGCAGAATGGTTGGAATAGATTCGGAACCTGCGGGAAAGAAAGGAGCCCT-3'
Protein context (NP_006218.1, residues 395-415): IYSNHSALES[Leu405Gln]ALIPLQAPLK